The following is an entry in ClinVar:

NM_000159.4(GCDH):c.382C>T (p.Arg128Ter)

Gene: GCDH (glutaryl-CoA dehydrogenase; plus strand). Cytogenetic location: 19p13.13.
Variant type: single nucleotide variant.
Coding change: c.382C>T on transcript NM_000159.4 (MANE Select); coding-DNA position 382, C replaced by T.
Protein change: p.Arg128Ter; replaces arginine 128 with a stop codon.
Molecular consequence: nonsense. On other transcripts: non-coding transcript variant (2).
Genome position (GRCh38, 1-based): chr19:12,893,530, C>T. VCF-style: chr19-12893530-C-T. GRCh37 (hg19) VCF-style: chr19-13004344-C-T.
Other names: c.382C>T, p.Arg128Ter (NM_013976.5); short protein forms R128*.
Identifiers: ClinVar variation 371176 (VCV000371176.13), dbSNP rs752334462, ClinGen allele CA9234380.

ClinVar aggregate classification (germline): Pathogenic. Review status: criteria provided, multiple submitters, no conflicts (2 of 4 stars). 4 submissions from 4 submitters: Pathogenic (3). 1 of the submissions does not count toward it. Last evaluated 2024-09-16.

Conditions:
Glutaric aciduria, type 1. Also called: Glutaric acidemia type I; Glutaricaciduria, type I; Glutaryl-CoA dehydrogenase deficiency; Glutaricacidemia Type 1; Glutaric Acidemia Type 1; GA I. Identifiers: Orphanet 25, MedGen C0268595, MONDO:0009281, OMIM 231670.

Allele frequency attached by ClinVar (database versions not stated): gnomAD exomes below 0.00001; TOPMed below 0.00001; ExAC 0.00001; gnomAD 0.00001.
gnomAD v4.1: 5 of 1,613,758 alleles (0.00031%); highest among the groups gnomAD compares: Admixed American, 0.0017%; no homozygotes.

Submissions (4):

GeneDx
Classification: Pathogenic. Last evaluated: 2024-09-16. Review status: criteria provided, single submitter. Criteria: GeneDx Variant Classification Process June 2021. Collection method: clinical testing. Allele origin: germline. Affected: yes.
Comment: Nonsense variant predicted to result in protein truncation or nonsense mediated decay in a gene for which loss of function is a known mechanism of disease; Not observed at significant frequency in large population cohorts (gnomAD); This variant is associated with the following publications: (PMID: 25525159, 32240488, 31062211, 34258142, 24332224, 37020324, 10960496, 32777384, 27672653)

Labcorp Genetics (formerly Invitae), Labcorp
Classification: Pathogenic for Glutaric aciduria, type 1. Last evaluated: 2023-04-06. Review status: criteria provided, single submitter. Criteria: Invitae Variant Classification Sherloc (09022015). Collection method: clinical testing. Allele origin: germline.
Comment: This premature translational stop signal has been observed in individual(s) with glutaric acidemia (PMID: 10960496, 24332224). The frequency data for this variant in the population databases is considered unreliable, as metrics indicate poor data quality at this position in the gnomAD database. This sequence change creates a premature translational stop signal (p.Arg128*) in the GCDH gene. It is expected to result in an absent or disrupted protein product. Loss-of-function variants in GCDH are known to be pathogenic (PMID: 10699052, 11854167, 16602100). ClinVar contains an entry for this variant (Variation ID: 371176). For these reasons, this variant has been classified as Pathogenic.

Women's Health and Genetics/Laboratory Corporation of America, LabCorp
Classification: Pathogenic for Glutaric aciduria, type 1. Last evaluated: 2017-04-26. Review status: criteria provided, single submitter. Criteria: LabCorp Variant Classification Summary - May 2015. Collection method: clinical testing. Allele origin: germline.
Comment: Variant summary: The c.382C>T (p.Arg128*) variant in GCDH gene is a nonsense change that results in the loss of the 311 amino acids of the protein (~60%). This change is predicted to cause loss of normal protein function through protein truncation or nonsense-mediated mRNA decay. The variant is present in the large control population dataset of ExAC at a frequency 8.239e-06 (1/121368 chrs tested), which does not exceed the maximal expected frequency of a pathogenic allele (0.0035) in this gene. The variant has been identified in compound heterozygosity with known pathogenic alleles in several affected individuals with biochemically confirmed dx GA-1. Lastly, a reputable database/diagnostic center classified the variant of interest as Pathogenic. Taken together, the variant was classified as Pathogenic.

Counsyl
Classification: Pathogenic for Glutaric aciduria, type 1. Last evaluated: 2016-07-20. Review status: no assertion criteria provided. Collection method: clinical testing. Allele origin: unknown. Not counted in ClinVar's aggregate classification.

Literature cited by the submitters: PubMed 10960496 (cited by Labcorp Genetics (formerly Invitae), Labcorp and Counsyl); PubMed 24332224 (cited by 3 submitters); PubMed 10699052 (cited by Labcorp Genetics (formerly Invitae), Labcorp); PubMed 11854167 (cited by Labcorp Genetics (formerly Invitae), Labcorp); PubMed 16602100 (cited by Labcorp Genetics (formerly Invitae), Labcorp); PubMed 15505393 (cited by Women's Health and Genetics/Laboratory Corporation of America, LabCorp); PubMed 18285246 (cited by Women's Health and Genetics/Laboratory Corporation of America, LabCorp); PubMed 23104440 (cited by Women's Health and Genetics/Laboratory Corporation of America, LabCorp); PubMed 10649503 (cited by Women's Health and Genetics/Laboratory Corporation of America, LabCorp).